The following is an entry in ClinVar:

ClinVar aggregate classification (germline): Conflicting classifications of pathogenicity. Review status: criteria provided, conflicting classifications (1 of 4 stars). 2 submissions from 2 submitters: Likely pathogenic (1); Uncertain significance (1). Last evaluated 2023-09-12.

Conditions:
Paget disease of bone 2, early-onset (PDB2). Also called: Paget disease of bone 2. Identifiers: MedGen C4085251, MONDO:0011183, OMIM 602080.
Frontotemporal dementia and/or amyotrophic lateral sclerosis 1 (FTDALS1). Also called: C9orf72 Frontotemporal Dementia and/or Amyotrophic Lateral Sclerosis; Frontotemporal dementia with motor neuron disease 1. Identifiers: Orphanet 275872, MedGen C5779877, MONDO:0007105, OMIM 105550.

Allele frequency attached by ClinVar (database versions not stated): gnomAD 0.00001; TOPMed 0.00001.
gnomAD v4.1: 8 of 1,613,862 alleles (0.0005%); highest among the groups gnomAD compares: Non-Finnish European, 0.00068%; no homozygotes.

Submissions (2):

GeneDx
Classification: Likely pathogenic. Last evaluated: 2023-09-12. Review status: criteria provided, single submitter. Criteria: GeneDx Variant Classification Process June 2021. Collection method: clinical testing. Allele origin: germline. Affected: yes.
Comment: Not observed at significant frequency in large population cohorts (gnomAD); In silico analysis supports that this missense variant has a deleterious effect on protein structure/function; Has not been previously published as pathogenic or benign to our knowledge

Labcorp Genetics (formerly Invitae), Labcorp
Classification: Uncertain significance for Paget disease of bone 2, early-onset; Frontotemporal dementia and/or amyotrophic lateral sclerosis 1. Last evaluated: 2022-03-09. Review status: criteria provided, single submitter. Criteria: Invitae Variant Classification Sherloc (09022015). Collection method: clinical testing. Allele origin: germline.
Comment: This sequence change replaces cysteine, which is neutral and slightly polar, with glycine, which is neutral and non-polar, at codon 151 of the SQSTM1 protein (p.Cys151Gly). This variant is present in population databases (no rsID available, gnomAD 0.0009%). This variant has not been reported in the literature in individuals affected with SQSTM1-related conditions. Algorithms developed to predict the effect of missense changes on protein structure and function (SIFT, PolyPhen-2, Align-GVGD) all suggest that this variant is likely to be disruptive. In summary, the available evidence is currently insufficient to determine the role of this variant in disease. Therefore, it has been classified as a Variant of Uncertain Significance.

NM_003900.5(SQSTM1):c.451T>G (p.Cys151Gly)

Gene: SQSTM1 (sequestosome 1; plus strand). Cytogenetic location: 5q35.3.
Variant type: single nucleotide variant.
Coding change: c.451T>G on transcript NM_003900.5 (MANE Select); coding-DNA position 451, T replaced by G.
Protein change: p.Cys151Gly; replaces cysteine 151 with glycine.
Molecular consequence: missense variant.
Genome position (GRCh38, 1-based): chr5:179,824,007, T>G. VCF-style: chr5-179824007-T-G. GRCh37 (hg19) VCF-style: chr5-179251007-T-G.
Other names: c.451T>G (NM_003900.4); c.199T>G, p.Cys67Gly (NM_001142298.2, NM_001142299.2); short protein forms C151G, C67G.
Identifiers: ClinVar variation 2165652 (VCV002165652.2), dbSNP rs1166729262, ClinGen allele CA362443972.